The following is an entry in ClinVar:

ClinVar aggregate classification (germline): Uncertain significance (1 of 4 stars; one submission).

Conditions:
Developmental and epileptic encephalopathy, 21 (DEE21). Also called: Early infantile epileptic encephalopathy 21. Identifiers: Orphanet 442835, MedGen C4014430, MONDO:0014360, OMIM 615833.

gnomAD v4.1: 2 of 1,613,928 alleles (0.00012%); highest among the groups gnomAD compares: Non-Finnish European, 0.000085%; no homozygotes.

Submission:

Labcorp Genetics (formerly Invitae), Labcorp
Classification: Uncertain significance for Developmental and epileptic encephalopathy, 21. Last evaluated: 2022-04-03. Review status: criteria provided, single submitter. Criteria: Invitae Variant Classification Sherloc (09022015). Collection method: clinical testing. Allele origin: germline.
Comment: In summary, the available evidence is currently insufficient to determine the role of this variant in disease. Therefore, it has been classified as a Variant of Uncertain Significance. Algorithms developed to predict the effect of missense changes on protein structure and function (SIFT, PolyPhen-2, Align-GVGD) all suggest that this variant is likely to be tolerated. ClinVar contains an entry for this variant (Variation ID: 964789). This variant has not been reported in the literature in individuals affected with NECAP1-related conditions. This variant is not present in population databases (gnomAD no frequency). This sequence change replaces arginine, which is basic and polar, with leucine, which is neutral and non-polar, at codon 146 of the NECAP1 protein (p.Arg146Leu).

NM_015509.4(NECAP1):c.437G>T (p.Arg146Leu)

Gene: NECAP1 (NECAP endocytosis associated 1; plus strand). Cytogenetic location: 12p13.31.
Variant type: single nucleotide variant.
Coding change: c.437G>T on transcript NM_015509.4 (MANE Select); coding-DNA position 437, G replaced by T.
Protein change: p.Arg146Leu; replaces arginine 146 with leucine.
Molecular consequence: missense variant. On other transcripts: non-coding transcript variant (1).
Genome position (GRCh38, 1-based): chr12:8,092,729, G>T. VCF-style: chr12-8092729-G-T. GRCh37 (hg19) VCF-style: chr12-8245325-G-T.
Other names: short protein forms R146L.
Identifiers: ClinVar variation 964789 (VCV000964789.9), dbSNP rs769210779, ClinGen allele CA383799488.